The following is an entry in ClinVar:

NM_001112741.2(KCNC1):c.442G>A (p.Glu148Lys)

Gene: KCNC1 (potassium voltage-gated channel subfamily C member 1; plus strand). Cytogenetic location: 11p15.1.
Variant type: single nucleotide variant.
Coding change: c.442G>A on transcript NM_001112741.2 (MANE Select); coding-DNA position 442, G replaced by A.
Protein change: p.Glu148Lys; replaces glutamic acid 148 with lysine.
Molecular consequence: missense variant.
Genome position (GRCh38, 1-based): chr11:17,736,444, G>A. VCF-style: chr11-17736444-G-A. GRCh37 (hg19) VCF-style: chr11-17757991-G-A.
Other names: c.442G>A, p.Glu148Lys (NM_004976.4); short protein forms E148K.
Identifiers: ClinVar variation 1310491 (VCV001310491.3), dbSNP rs2133774452, ClinGen allele CA379801469.

ClinVar aggregate classification (germline): Uncertain significance. Review status: criteria provided, multiple submitters, no conflicts (2 of 4 stars). 2 submissions from 2 submitters: Uncertain significance (2). Last evaluated 2021-03-11.

gnomAD v4.1: 2 of 1,605,148 alleles (0.00012%); highest among the groups gnomAD compares: Non-Finnish European, 0.00017%; no homozygotes.

Submissions (2):

Blueprint Genetics
Classification: Uncertain significance. Last evaluated: 2021-03-11. Review status: criteria provided, single submitter. Criteria: ACMG Guidelines, 2015. Collection method: clinical testing. Allele origin: germline.

GeneDx
Classification: Uncertain significance. Last evaluated: 2019-11-21. Review status: criteria provided, single submitter. Criteria: GeneDx Variant Classification Process June 2021. Collection method: clinical testing. Allele origin: germline. Affected: yes.
Comment: Not observed in large population cohorts (Lek et al., 2016); In silico analysis, which includes protein predictors and evolutionary conservation, supports that this variant does not alter protein structure/function; Has not been previously published as pathogenic or benign to our knowledge